The following is an entry in ClinVar:

ClinVar aggregate classification (germline): Uncertain significance (1 of 4 stars; one submission).

gnomAD v4.1: 4 of 1,613,972 alleles (0.00025%); highest among the groups gnomAD compares: Non-Finnish European, 0.00034%; no homozygotes.

Submission:

Labcorp Genetics (formerly Invitae), Labcorp
Classification: Uncertain significance. Last evaluated: 2024-06-19. Review status: criteria provided, single submitter. Criteria: Invitae Variant Classification Sherloc (09022015). Collection method: clinical testing. Allele origin: germline.
Comment: This sequence change replaces lysine, which is basic and polar, with glutamine, which is neutral and polar, at codon 42 of the OAS1 protein (p.Lys42Gln). This variant is not present in population databases (gnomAD no frequency). This variant has not been reported in the literature in individuals affected with OAS1-related conditions. An algorithm developed to predict the effect of missense changes on protein structure and function (PolyPhen-2) suggests that this variant is likely to be disruptive. In summary, the available evidence is currently insufficient to determine the role of this variant in disease. Therefore, it has been classified as a Variant of Uncertain Significance.

NM_016816.4(OAS1):c.124A>C (p.Lys42Gln)

Genes: OAS1 (2'-5'-oligoadenylate synthetase 1; plus strand), LOC130008812 (ATAC-STARR-seq lymphoblastoid active region 7052; plus strand). Cytogenetic location: 12q24.13.
Variant type: single nucleotide variant.
Coding change: c.124A>C on transcript NM_016816.4 (MANE Select); coding-DNA position 124, A replaced by C.
Protein change: p.Lys42Gln; replaces lysine 42 with glutamine.
Molecular consequence: missense variant. On other transcripts: non-coding transcript variant (9).
Genome position (GRCh38, 1-based): chr12:112,907,163, A>C. VCF-style: chr12-112907163-A-C. GRCh37 (hg19) VCF-style: chr12-113344968-A-C.
Other names: c.124A>C, p.Lys42Gln (NM_001032409.3, NM_001320151.2, NM_001406020.1 and 10 more transcripts); short protein forms K42Q.
Identifiers: ClinVar variation 3712711 (VCV003712711.2).